The following is an entry in ClinVar:

NM_014363.6(SACS):c.8281G>A (p.Val2761Met)

Gene: SACS (sacsin molecular chaperone; minus strand). Cytogenetic location: 13q12.12.
Variant type: single nucleotide variant.
Coding change: c.8281G>A on transcript NM_014363.6 (MANE Select); coding-DNA position 8281, G replaced by A.
Protein change: p.Val2761Met; replaces valine 2761 with methionine.
Molecular consequence: missense variant.
Genome position (GRCh38, 1-based): chr13:23,335,595, C>T on the plus strand (G>A on the coding strand, the complement: SACS is on the minus strand). VCF-style: chr13-23335595-C-T. GRCh37 (hg19) VCF-style: chr13-23909734-C-T.
Other names: c.7840G>A, p.Val2614Met (NM_001278055.2); short protein forms V2614M, V2761M.
Identifiers: ClinVar variation 969158 (VCV000969158.7), dbSNP rs372119773, ClinGen allele CA6910794.
Genomic context (GRCh38, chr13:23,335,595, plus strand): 5'-GAAATTGTTTCCTTTTCAATCTGTCTCCATCTGTGATTTTGCCCTTTACTGAATACAGCA[C>T]ATTTAGAGCTCCAGTACTCTTATCTATTTCACAAATAGAAATTTTTTCCATGTGATTAAG-3'
Protein context (NP_055178.3, residues 2751-2771): EIDKSTGALN[Val2761Met]LYSVKGKITD

ClinVar aggregate classification (germline): Uncertain significance. Review status: criteria provided, single submitter (1 of 4 stars). 2 submissions from 2 submitters: Uncertain significance (1). 1 of the submissions does not count toward it. Last evaluated 2022-06-04.

Conditions:
Spastic paraplegia. Identifiers: MedGen C0037772, HP:0001258.
Charlevoix-Saguenay spastic ataxia (SACS). Also called: SPASTIC ATAXIA 6, AUTOSOMAL RECESSIVE; Spastic ataxia of Charlevoix-Saguenay; AUTOSOMAL RECESSIVE SPASTIC ATAXIA OF CHARLEVOIX-SAGUENAY. Identifiers: Orphanet 98, MedGen C1849140, MONDO:0010041, OMIM 270550.

Allele frequency attached by ClinVar (database versions not stated): TOPMed 0.00003; gnomAD 0.00001; ESP Exome Variant Server 0.00008; ExAC 0.00001.
gnomAD v4.1: 7 of 1,613,704 alleles (0.00043%); highest among the groups gnomAD compares: African/African-American, 0.0013%; no homozygotes.

Submissions (2):

Labcorp Genetics (formerly Invitae), Labcorp
Classification: Uncertain significance for Spastic paraplegia. Last evaluated: 2022-06-04. Review status: criteria provided, single submitter. Criteria: Invitae Variant Classification Sherloc (09022015). Collection method: clinical testing. Allele origin: germline.
Comment: This sequence change replaces valine, which is neutral and non-polar, with methionine, which is neutral and non-polar, at codon 2761 of the SACS protein (p.Val2761Met). This variant is present in population databases (rs372119773, gnomAD 0.0009%). This variant has not been reported in the literature in individuals affected with SACS-related conditions. ClinVar contains an entry for this variant (Variation ID: 969158). Advanced modeling of protein sequence and biophysical properties (such as structural, functional, and spatial information, amino acid conservation, physicochemical variation, residue mobility, and thermodynamic stability) performed at Invitae indicates that this missense variant is not expected to disrupt SACS protein function. In summary, the available evidence is currently insufficient to determine the role of this variant in disease. Therefore, it has been classified as a Variant of Uncertain Significance.

Natera, Inc.
Classification: Uncertain significance for Charlevoix-Saguenay type spastic ataxia. Last evaluated: 2021-03-18. Review status: no assertion criteria provided. Collection method: clinical testing. Allele origin: germline. Not counted in ClinVar's aggregate classification.